The following is an entry in ClinVar:

ClinVar aggregate classification (germline): Uncertain significance (1 of 4 stars; one submission).

Conditions:
Hereditary cancer-predisposing syndrome. Also called: Hereditary neoplastic syndrome; Neoplastic Syndromes, Hereditary; Tumor predisposition; Hereditary Cancer Syndrome. Identifiers: Orphanet 140162, MedGen C0027672, MeSH D009386, MONDO:0015356.

Submission:

Ambry Genetics
Classification: Uncertain significance for Hereditary cancer-predisposing syndrome. Last evaluated: 2025-01-08. Review status: criteria provided, single submitter. Criteria: Ambry Variant Classification Scheme 2023. Collection method: clinical testing. Allele origin: germline.
Comment: The p.K466T variant (also known as c.1397A>C), located in coding exon 13 of the BAP1 gene, results from an A to C substitution at nucleotide position 1397. The lysine at codon 466 is replaced by threonine, an amino acid with similar properties. This amino acid position is conserved. In addition, this alteration is predicted to be tolerated by in silico analysis. Based on the available evidence, the clinical significance of this variant remains unclear.

NM_004656.4(BAP1):c.1397A>C (p.Lys466Thr)

Gene: BAP1 (BRCA1 associated deubiquitinase 1; minus strand). Cytogenetic location: 3p21.1.
Variant type: single nucleotide variant.
Coding change: c.1397A>C on transcript NM_004656.4 (MANE Select); coding-DNA position 1397, A replaced by C.
Protein change: p.Lys466Thr; replaces lysine 466 with threonine.
Molecular consequence: missense variant.
Genome position (GRCh38, 1-based): chr3:52,403,748, T>G on the plus strand (A>C on the coding strand, the complement: BAP1 is on the minus strand). VCF-style: chr3-52403748-T-G. GRCh37 (hg19) VCF-style: chr3-52437764-T-G.
Other names: c.1343A>C, p.Lys448Thr (NM_001410772.1); short protein forms K466T, K448T.
Identifiers: ClinVar variation 3818956 (VCV003818956.1).